The following is an entry in ClinVar:

ClinVar aggregate classification (germline): Uncertain significance (1 of 4 stars; one submission).

Conditions:
Hereditary sensory and autonomic neuropathy type 6. Also called: HSAN VI; Neuropathy, hereditary sensory and autonomic, type VI. Identifiers: Orphanet 314381, MedGen C3539003, MONDO:0013839, OMIM 614653.
Epidermolysis bullosa simplex 3, localized or generalized intermediate, with BP230 deficiency (EBS3). Also called: Epidermolysis bullosa simplex, autosomal recessive 2; Epidermolysis bullosa simplex due to BP230 deficiency. Identifiers: Orphanet 412181, MedGen C3809470, MONDO:0014180, OMIM 615425.

Allele frequency attached by ClinVar (database versions not stated): gnomAD exomes below 0.00001; gnomAD 0.00001; TOPMed 0.00001.
gnomAD v4.1: 2 of 1,612,826 alleles (0.00012%); highest among the groups gnomAD compares: Non-Finnish European, 0.00017%; no homozygotes.

Submission:

Labcorp Genetics (formerly Invitae), Labcorp
Classification: Uncertain significance for Epidermolysis bullosa simplex 3, localized or generalized intermediate, with BP230 deficiency; Hereditary sensory and autonomic neuropathy type 6. Last evaluated: 2023-02-20. Review status: criteria provided, single submitter. Criteria: Invitae Variant Classification Sherloc (09022015). Collection method: clinical testing. Allele origin: germline.
Comment: In summary, the available evidence is currently insufficient to determine the role of this variant in disease. Therefore, it has been classified as a Variant of Uncertain Significance. Experimental studies and prediction algorithms are not available or were not evaluated, and the functional significance of this variant is currently unknown. This variant has not been reported in the literature in individuals affected with DST-related conditions. This variant is present in population databases (no rsID available, gnomAD 0.007%). This sequence change replaces isoleucine, which is neutral and non-polar, with valine, which is neutral and non-polar, at codon 4860 of the DST protein (p.Ile4860Val). The DST gene has multiple clinically relevant transcripts. This variant occurs in alternate transcript NM_015548.4, and corresponds to NM_001723.5:c.*145360A>G in the primary transcript.

NM_001374736.1(DST):c.22447A>G (p.Ile7483Val)

Gene: DST (dystonin; minus strand). Cytogenetic location: 6p12.1.
Variant type: single nucleotide variant.
Coding change: c.22447A>G on transcript NM_001374736.1 (MANE Select); coding-DNA position 22447, A replaced by G.
Protein change: p.Ile7483Val; replaces isoleucine 7483 with valine.
Molecular consequence: missense variant.
Genome position (GRCh38, 1-based): chr6:56,470,157, T>C on the plus strand (A>G on the coding strand, the complement: DST is on the minus strand). VCF-style: chr6-56470157-T-C. GRCh37 (hg19) VCF-style: chr6-56334955-T-C.
Other names: c.16090A>G, p.Ile5364Val (NM_001144769.5); c.15676A>G, p.Ile5226Val (NM_001144770.2); c.22447A>G, p.Ile7483Val (NM_001374722.1); c.21487A>G, p.Ile7163Val (NM_001374729.1); c.15229A>G, p.Ile5077Val (NM_001374730.1); c.22474A>G, p.Ile7492Val (NM_001374734.1); c.15556A>G, p.Ile5186Val (NM_001386100.1, NM_183380.4); c.14578A>G, p.Ile4860Val (NM_015548.5); short protein forms I5186V, I4860V, I5226V, I5364V, I7483V, I5077V, I7163V, I7492V.
Identifiers: ClinVar variation 2935279 (VCV002935279.3), dbSNP rs983436484, ClinGen allele CA139168571.